The following is an entry in ClinVar:

ClinVar aggregate classification (germline): Uncertain significance (1 of 4 stars; one submission).

gnomAD v4.1: 65 of 1,551,788 alleles (0.0042%); highest among the groups gnomAD compares: African/African-American, 0.067%; no homozygotes.

Submission:

Labcorp Genetics (formerly Invitae), Labcorp
Classification: Uncertain significance. Last evaluated: 2025-09-27. Review status: criteria provided, single submitter. Criteria: Invitae Variant Classification Sherloc (09022015). Collection method: clinical testing. Allele origin: germline.
Comment: This sequence change replaces glycine, which is neutral and non-polar, with arginine, which is basic and polar, at codon 2183 of the WDR87 protein (p.Gly2183Arg). This variant is present in population databases (rs767174501, gnomAD 0.08%), and has an allele count higher than expected for a pathogenic variant. This variant has not been reported in the literature in individuals affected with WDR87-related conditions. An algorithm developed to predict the effect of missense changes on protein structure and function (PolyPhen-2) suggests that this variant is likely to be tolerated. In summary, the available evidence is currently insufficient to determine the role of this variant in disease. Therefore, it has been classified as a Variant of Uncertain Significance.

NM_001291088.2(WDR87):c.6664G>C (p.Gly2222Arg)

Gene: WDR87 (WD repeat domain 87; minus strand). Cytogenetic location: 19q13.13.
Variant type: single nucleotide variant.
Coding change: c.6664G>C on transcript NM_001291088.2 (MANE Select); coding-DNA position 6664, G replaced by C.
Protein change: p.Gly2222Arg; replaces glycine 2222 with arginine.
Molecular consequence: missense variant.
Genome position (GRCh38, 1-based): chr19:37,887,007, C>G on the plus strand (G>C on the coding strand, the complement: WDR87 is on the minus strand). VCF-style: chr19-37887007-C-G. GRCh37 (hg19) VCF-style: chr19-38377647-C-G.
Other names: c.6547G>C, p.Gly2183Arg (NM_031951.5); short protein forms G2222R, G2183R.
Identifiers: ClinVar variation 4750999 (VCV004750999.1).